The following is an entry in ClinVar:

ClinVar aggregate classification (germline): Uncertain significance. Review status: criteria provided, multiple submitters, no conflicts (2 of 4 stars). 2 submissions from 2 submitters: Uncertain significance (2). Last evaluated 2025-01-18.

Submissions (2):

Ambry Genetics
Classification: Uncertain significance. Last evaluated: 2025-01-18. Review status: criteria provided, single submitter. Criteria: Ambry Variant Classification Scheme 2023. Collection method: clinical testing. Allele origin: germline.

Labcorp Genetics (formerly Invitae), Labcorp
Classification: Uncertain significance. Last evaluated: 2024-10-08. Review status: criteria provided, single submitter. Criteria: Invitae Variant Classification Sherloc (09022015). Collection method: clinical testing. Allele origin: germline.
Comment: This sequence change replaces phenylalanine, which is neutral and non-polar, with serine, which is neutral and polar, at codon 181 of the GCGR protein (p.Phe181Ser). This variant is not present in population databases (gnomAD no frequency). This variant has not been reported in the literature in individuals affected with GCGR-related conditions. An algorithm developed to predict the effect of missense changes on protein structure and function (PolyPhen-2) suggests that this variant is likely to be disruptive. In summary, the available evidence is currently insufficient to determine the role of this variant in disease. Therefore, it has been classified as a Variant of Uncertain Significance.

NM_000160.5(GCGR):c.542T>C (p.Phe181Ser)

Gene: GCGR (glucagon receptor; plus strand). Cytogenetic location: 17q25.3.
Variant type: single nucleotide variant.
Coding change: c.542T>C on transcript NM_000160.5 (MANE Select); coding-DNA position 542, T replaced by C.
Protein change: p.Phe181Ser; replaces phenylalanine 181 with serine.
Molecular consequence: missense variant.
Genome position (GRCh38, 1-based): chr17:81,811,445, T>C. VCF-style: chr17-81811445-T-C. GRCh37 (hg19) VCF-style: chr17-79769321-T-C.
Other names: c.542T>C (NM_000160.3); short protein forms F181S.
Identifiers: ClinVar variation 3698118 (VCV003698118.3).